The following is an entry in ClinVar:

ClinVar aggregate classification (germline): Uncertain significance (1 of 4 stars; one submission).

Conditions:
Developmental and epileptic encephalopathy, 1 (DEE1). Also called: INFANTILE SPASM SYNDROME, X-LINKED 1; Epileptic encephalopathy, early infantile, 1; X-linked infantile spasms; West's syndrome; Tonic spasms with clustering, arrest of psychomotor development and hypsarrhythmia on EEG; X-Linked Infantile Spasm Syndrome. Identifiers: MedGen C3463992, MONDO:0010632, OMIM 308350. Disease mechanism: loss of function.
Autosomal recessive spinocerebellar ataxia 12. Also called: SPINOCEREBELLAR ATAXIA WITH MENTAL RETARDATION AND EPILEPSY. Identifiers: Orphanet 284282, MedGen C3280452, MONDO:0013687, OMIM 614322.

gnomAD v4.1: 1 of 1,614,166 alleles (0.000062%); highest among the groups gnomAD compares: Non-Finnish European, 0.000085%; no homozygotes.

Submission:

Labcorp Genetics (formerly Invitae), Labcorp
Classification: Uncertain significance for Developmental and epileptic encephalopathy, 1; Autosomal recessive spinocerebellar ataxia 12. Last evaluated: 2020-02-17. Review status: criteria provided, single submitter. Criteria: Invitae Variant Classification Sherloc (09022015). Collection method: clinical testing. Allele origin: germline.
Comment: This variant is not present in population databases (ExAC no frequency). This variant has not been reported in the literature in individuals with WWOX-related conditions. Algorithms developed to predict the effect of missense changes on protein structure and function (SIFT, PolyPhen-2, Align-GVGD) all suggest that this variant is likely to be tolerated, but these predictions have not been confirmed by published functional studies and their clinical significance is uncertain. In summary, the available evidence is currently insufficient to determine the role of this variant in disease. Therefore, it has been classified as a Variant of Uncertain Significance. This sequence change replaces glutamine with histidine at codon 406 of the WWOX protein (p.Gln406His). The glutamine residue is weakly conserved and there is a small physicochemical difference between glutamine and histidine.

NM_016373.4(WWOX):c.1218A>C (p.Gln406His)

Genes: MAF (MAF bZIP transcription factor; minus strand), WWOX (WW domain containing oxidoreductase; plus strand). Cytogenetic location: 16q23.2.
Variant type: single nucleotide variant.
Coding change: c.1218A>C on transcript NM_016373.4 (MANE Select); coding-DNA position 1218, A replaced by C.
Protein change: p.Gln406His; replaces glutamine 406 with histidine.
Molecular consequence: missense variant.
Genome position (GRCh38, 1-based): chr16:79,211,769, A>C. VCF-style: chr16-79211769-A-C. GRCh37 (hg19) VCF-style: chr16-79245666-A-C.
Other names: c.879A>C, p.Gln293His (NM_001291997.2); short protein forms Q406H, Q293H.
Identifiers: ClinVar variation 947716 (VCV000947716.8), dbSNP rs767985798, ClinGen allele CA396537313.
Genomic context (GRCh38, chr16:79,211,769, plus strand): 5'-AGAAGCTCAGAGCGAAGAGACGGCCCGGACCCTGTGGGCGCTCAGCGAGAGGCTGATCCA[A>C]GAACGGCTTGGCAGCCAGTCCGGCTAAGTGGAGCTCAGAGCGGATGGGCACACACACCCG-3'
Protein context (NP_057457.1, residues 396-414): TLWALSERLI[Gln406His]ERLGSQSG